The following is an entry in ClinVar:

NM_001374828.1(ARID1B):c.432G>A (p.Thr144=)

Genes: ARID1B (AT-rich interaction domain 1B; plus strand), LOC115308161 (uncharacterized LOC115308161; minus strand), LOC129997524 (ATAC-STARR-seq lymphoblastoid silent region 17711; plus strand). Cytogenetic location: 6q25.3.
Variant type: single nucleotide variant.
Coding change: c.432G>A on transcript NM_001374828.1 (MANE Select); coding-DNA position 432, G replaced by A.
Protein change: p.Thr144=; no amino-acid change (threonine 144 retained).
Molecular consequence: synonymous variant.
Genome position (GRCh38, 1-based): chr6:156,778,112, G>A. VCF-style: chr6-156778112-G-A. GRCh37 (hg19) VCF-style: chr6-157099246-G-A.
Other names: c.432G>A, p.Thr144= (NM_001371656.1, NM_001374820.1, NM_017519.3).
Identifiers: ClinVar variation 3389133 (VCV003389133.16).

ClinVar aggregate classification (germline): Benign/Likely benign. Review status: criteria provided, multiple submitters, no conflicts (2 of 4 stars). 2 submissions from 2 submitters: Benign (1); Likely benign (1). Last evaluated 2025-03-28.

gnomAD v4.1: 10 of 1,541,044 alleles (0.00065%); highest among the groups gnomAD compares: Admixed American, 0.0098%; no homozygotes.

Submissions (2):

Labcorp Genetics (formerly Invitae), Labcorp
Classification: Benign. Last evaluated: 2025-03-28. Review status: criteria provided, single submitter. Criteria: Invitae Variant Classification Sherloc (09022015). Collection method: clinical testing. Allele origin: germline.

CeGaT Center for Human Genetics Tuebingen
Classification: Likely benign. Last evaluated: 2025-03-01. Review status: criteria provided, single submitter. Criteria: CeGaT Center For Human Genetics Tuebingen Variant Classification Criteria Version 2. Collection method: clinical testing. Allele origin: germline. Affected: yes. Observed: 2 variant alleles.
Comment: ARID1B: BP4, BP7